The following is an entry in ClinVar:

NM_000093.5(COL5A1):c.4111C>T (p.Pro1371Ser)

Gene: COL5A1 (collagen type V alpha 1 chain; plus strand). Cytogenetic location: 9q34.3.
Variant type: single nucleotide variant.
Coding change: c.4111C>T on transcript NM_000093.5 (MANE Select); coding-DNA position 4111, C replaced by T.
Protein change: p.Pro1371Ser; replaces proline 1371 with serine.
Molecular consequence: missense variant.
Genome position (GRCh38, 1-based): chr9:134,815,977, C>T. VCF-style: chr9-134815977-C-T. GRCh37 (hg19) VCF-style: chr9-137707823-C-T.
Other names: c.4111C>T, p.Pro1371Ser (NM_001278074.1); short protein forms P1371S.
Identifiers: ClinVar variation 4536176 (VCV004536176.2).

ClinVar aggregate classification (germline): Uncertain significance. Review status: criteria provided, multiple submitters, no conflicts (2 of 4 stars). 2 submissions from 2 submitters: Uncertain significance (2). Last evaluated 2026-01-27.

Conditions:
Ehlers-Danlos syndrome, classic type, 1 (EDSCL1). Also called: EHLERS-DANLOS SYNDROME, GRAVIS TYPE; EHLERS-DANLOS SYNDROME, SEVERE CLASSIC TYPE; Ehlers-Danlos syndrome, type 1; Ehlers-Danlos Syndrome, Classic Type, COL5A1-Related; EDS I. Identifiers: MedGen C0268335, MONDO:0019567, OMIM 130000.

gnomAD v4.1: 3 of 1,614,056 alleles (0.00019%); highest among the groups gnomAD compares: South Asian, 0.0033%; no homozygotes.

Submissions (2):

Labcorp Genetics (formerly Invitae), Labcorp
Classification: Uncertain significance for Ehlers-Danlos syndrome, classic type, 1. Last evaluated: 2026-01-27. Review status: criteria provided, single submitter. Criteria: Invitae Variant Classification Sherloc (09022015). Collection method: clinical testing. Allele origin: germline.
Comment: This sequence change replaces proline, which is neutral and non-polar, with serine, which is neutral and polar, at codon 1371 of the COL5A1 protein (p.Pro1371Ser). This variant is not present in population databases (gnomAD no frequency). This variant has not been reported in the literature in individuals affected with COL5A1-related conditions. Invitae Evidence Modeling of protein sequence and biophysical properties (such as structural, functional, and spatial information, amino acid conservation, physicochemical variation, residue mobility, and thermodynamic stability) indicates that this missense variant is not expected to disrupt COL5A1 protein function with a negative predictive value of 95%. In summary, the available evidence is currently insufficient to determine the role of this variant in disease. Therefore, it has been classified as a Variant of Uncertain Significance.

GeneDx
Classification: Uncertain significance. Last evaluated: 2025-06-05. Review status: criteria provided, single submitter. Criteria: GeneDx Variant Classification Process June 2021. Collection method: clinical testing. Allele origin: germline. Affected: yes.
Comment: Not observed at significant frequency in large population cohorts (gnomAD); In silico analysis supports that this missense variant has a deleterious effect on protein structure/function; Occurs in the triple helical domain at the Y position in the canonical Gly-X-Y repeat; although this variant may have an effect on normal protein folding and function, missense substitution at the Y position is not a common mechanism of disease (PMID: 22696272; HGMD); Has not been previously published as pathogenic or benign to our knowledge; This variant is associated with the following publications: (PMID: 22696272)